The following is an entry in ClinVar:

NM_002691.4(POLD1):c.113T>A (p.Leu38Gln)

Gene: POLD1 (DNA polymerase delta 1, catalytic subunit; plus strand). Cytogenetic location: 19q13.33.
Variant type: single nucleotide variant.
Coding change: c.113T>A on transcript NM_002691.4 (MANE Select); coding-DNA position 113, T replaced by A.
Protein change: p.Leu38Gln; replaces leucine 38 with glutamine.
Molecular consequence: missense variant. On other transcripts: non-coding transcript variant (1).
Genome position (GRCh38, 1-based): chr19:50,398,964, T>A. VCF-style: chr19-50398964-T-A. GRCh37 (hg19) VCF-style: chr19-50902221-T-A.
Other names: c.113T>A, p.Leu38Gln (NM_001256849.1, NM_001308632.1); short protein forms L38Q.
Identifiers: ClinVar variation 658457 (VCV000658457.9), dbSNP rs1601189190, ClinGen allele CA406970166.
Genomic context (GRCh38, chr19:50,398,964, plus strand): 5'-CCCGTGGGGGCCTCTGGGATGATGATGATGCACCTCGGCCATCCCAATTCGAGGAGGACC[T>A]GGCACTGATGGAGGAGATGGAGGCAGAACACAGGCTGCAGGAGCAGGAGGAGGAGGAGCT-3'
Protein context (NP_002682.2, residues 28-48): APRPSQFEED[Leu38Gln]ALMEEMEAEH

ClinVar aggregate classification (germline): Uncertain significance. Review status: criteria provided, multiple submitters, no conflicts (2 of 4 stars). 2 submissions from 2 submitters: Uncertain significance (2). Last evaluated 2024-02-16.

Conditions:
POLD1-related polyposis and colorectal cancer syndrome (CRCS10). Also called: Colorectal cancer, susceptibility to, 10; Colorectal cancer 10; COLORECTAL CANCER, SUSCEPTIBILITY TO, ON CHROMOSOME 19q. Identifiers: Orphanet 220460, MedGen C2675481, MONDO:0012953, OMIM 612591.
Hereditary cancer-predisposing syndrome. Also called: Hereditary neoplastic syndrome; Tumor predisposition; Hereditary Cancer Syndrome; Neoplastic Syndromes, Hereditary. Identifiers: Orphanet 140162, MedGen C0027672, MeSH D009386, MONDO:0015356.

Submissions (2):

Labcorp Genetics (formerly Invitae), Labcorp
Classification: Uncertain significance for POLD1-related polyposis and colorectal cancer syndrome. Last evaluated: 2024-02-16. Review status: criteria provided, single submitter. Criteria: Invitae Variant Classification Sherloc (09022015). Collection method: clinical testing. Allele origin: germline.
Comment: This sequence change replaces leucine, which is neutral and non-polar, with glutamine, which is neutral and polar, at codon 38 of the POLD1 protein (p.Leu38Gln). This variant is not present in population databases (gnomAD no frequency). This variant has not been reported in the literature in individuals affected with POLD1-related conditions. ClinVar contains an entry for this variant (Variation ID: 658457). An algorithm developed to predict the effect of missense changes on protein structure and function (PolyPhen-2) suggests that this variant is likely to be disruptive. In summary, the available evidence is currently insufficient to determine the role of this variant in disease. Therefore, it has been classified as a Variant of Uncertain Significance.

Ambry Genetics
Classification: Uncertain significance for Hereditary cancer-predisposing syndrome. Last evaluated: 2022-05-12. Review status: criteria provided, single submitter. Criteria: Ambry Variant Classification Scheme 2023. Collection method: clinical testing. Allele origin: germline.
Comment: The p.L38Q variant (also known as c.113T>A), located in coding exon 1 of the POLD1 gene, results from a T to A substitution at nucleotide position 113. The leucine at codon 38 is replaced by glutamine, an amino acid with dissimilar properties. This amino acid position is conserved. In addition, this alteration is predicted to be tolerated by in silico analysis. Since supporting evidence is limited at this time, the clinical significance of this alteration remains unclear.